The following is an entry in ClinVar:

ClinVar aggregate classification (germline): Uncertain significance (1 of 4 stars; one submission).

Conditions:
3-methylglutaconic aciduria, type VIIB (MGCA7B). Also called: 3-methylglutaconic aciduria with cataracts, neurologic involvement and neutropenia; 3-methylglutaconic aciduria, type VII, with cataracts, neurologic involvement and neutropenia; CLPB Deficiency. Identifiers: Orphanet 445038, MedGen C5676893, MONDO:0014561, OMIM 616271.

Allele frequency attached by ClinVar (database versions not stated): TOPMed below 0.00001; gnomAD 0.00001.

Submission:

Labcorp Genetics (formerly Invitae), Labcorp
Classification: Uncertain significance for 3-methylglutaconic aciduria, type VIIB. Last evaluated: 2025-02-25. Review status: criteria provided, single submitter. Criteria: Invitae Variant Classification Sherloc (09022015). Collection method: clinical testing. Allele origin: germline.
Comment: This sequence change replaces glycine, which is neutral and non-polar, with alanine, which is neutral and non-polar, at codon 432 of the CLPB protein (p.Gly432Ala). This variant is not present in population databases (gnomAD no frequency). This variant has not been reported in the literature in individuals affected with CLPB-related conditions. ClinVar contains an entry for this variant (Variation ID: 2990825). An algorithm developed to predict the effect of missense changes on protein structure and function (PolyPhen-2) suggests that this variant is likely to be disruptive. In summary, the available evidence is currently insufficient to determine the role of this variant in disease. Therefore, it has been classified as a Variant of Uncertain Significance.

NM_001258392.3(CLPB):c.1205G>C (p.Gly402Ala)

Genes: CLPB (ClpB family mitochondrial disaggregase; minus strand), LOC126861258 (MED14-independent group 3 enhancer GRCh37_chr11:72012242-72013441; plus strand). Cytogenetic location: 11q13.4.
Variant type: single nucleotide variant.
Coding change: c.1205G>C on transcript NM_001258392.3 (MANE Select); coding-DNA position 1205, G replaced by C.
Protein change: p.Gly402Ala; replaces glycine 402 with alanine.
Molecular consequence: missense variant.
Genome position (GRCh38, 1-based): chr11:72,301,927, C>G on the plus strand (G>C on the coding strand, the complement: CLPB is on the minus strand). VCF-style: chr11-72301927-C-G. GRCh37 (hg19) VCF-style: chr11-72012971-C-G.
Other names: c.1118G>C, p.Gly373Ala (NM_001258393.3); c.1160G>C, p.Gly387Ala (NM_001258394.3); c.1295G>C, p.Gly432Ala (NM_030813.6); short protein forms G373A, G432A, G387A, G402A.
Identifiers: ClinVar variation 2990825 (VCV002990825.3), dbSNP rs1949663292, ClinGen allele CA381733080.